The following is an entry in ClinVar:

NM_130384.3(ATRIP):c.775C>T (p.Leu259Phe)

Genes: ATRIP (ATR interacting protein; plus strand), ATRIP-TREX1 (ATRIP-TREX1 readthrough; plus strand). Cytogenetic location: 3p21.31.
Variant type: single nucleotide variant.
Coding change: c.775C>T on transcript NM_130384.3 (MANE Select); coding-DNA position 775, C replaced by T.
Protein change: p.Leu259Phe; replaces leucine 259 with phenylalanine.
Molecular consequence: missense variant. On other transcripts: non-coding transcript variant (1).
Genome position (GRCh38, 1-based): chr3:48,457,362, C>T. VCF-style: chr3-48457362-C-T. GRCh37 (hg19) VCF-style: chr3-48498762-C-T.
Other names: c.394C>T, p.Leu132Phe (NM_001271022.2); c.496C>T, p.Leu166Phe (NM_001271023.2); c.775C>T, p.Leu259Phe (NM_032166.4); short protein forms L132F, L166F, L259F.
Identifiers: ClinVar variation 4867188 (VCV004867188.1).

ClinVar aggregate classification (germline): Uncertain significance (1 of 4 stars; one submission).

Submission:

Ambry Genetics
Classification: Uncertain significance. Last evaluated: 2026-03-17. Review status: criteria provided, single submitter. Criteria: Ambry Variant Classification Scheme 2023. Collection method: clinical testing. Allele origin: germline.
Comment: The p.L259F variant (also known as c.775C>T), located in coding exon 5 of the ATRIP gene, results from a C to T substitution at nucleotide position 775. The leucine at codon 259 is replaced by phenylalanine, an amino acid with highly similar properties. This amino acid position is conserved. In addition, this alteration is predicted to be tolerated by in silico analysis. Based on the available evidence, the clinical significance of this variant remains unclear.